The following is an entry in ClinVar:

ClinVar aggregate classification (germline): Uncertain significance (1 of 4 stars; one submission).

Conditions:
Neurofibromatosis, type 1 (NF1). Also called: Peripheral type neurofibromatosis; Neurofibromatosis, type I; VON RECKLINGHAUSEN DISEASE; NEUROFIBROMATOSIS, TYPE I, SOMATIC. Identifiers: Orphanet 636, MedGen C0027831, MONDO:0018975, OMIM 162200. Disease mechanism: loss of function.

Submission:

Labcorp Genetics (formerly Invitae), Labcorp
Classification: Uncertain significance for Neurofibromatosis, type 1. Last evaluated: 2021-01-31. Review status: criteria provided, single submitter. Criteria: Invitae Variant Classification Sherloc (09022015). Collection method: clinical testing. Allele origin: germline.
Comment: This variant has not been reported in the literature in individuals with NF1-related conditions. In summary, the available evidence is currently insufficient to determine the role of this variant in disease. Therefore, it has been classified as a Variant of Uncertain Significance. Algorithms developed to predict the effect of missense changes on protein structure and function are either unavailable or do not agree on the potential impact of this missense change (SIFT: "Deleterious"; PolyPhen-2: "Benign"; Align-GVGD: "Class C0"). This variant is not present in population databases (ExAC no frequency). This sequence change replaces histidine with asparagine at codon 2637 of the NF1 protein (p.His2637Asn). The histidine residue is moderately conserved and there is a small physicochemical difference between histidine and asparagine.

NM_001042492.3(NF1):c.7972C>A (p.His2658Asn)

Gene: NF1 (neurofibromin 1; plus strand). Cytogenetic location: 17q11.2.
Variant type: single nucleotide variant.
Coding change: c.7972C>A on transcript NM_001042492.3 (MANE Select); coding-DNA position 7972, C replaced by A.
Protein change: p.His2658Asn; replaces histidine 2658 with asparagine.
Molecular consequence: missense variant.
Genome position (GRCh38, 1-based): chr17:31,358,481, C>A. VCF-style: chr17-31358481-C-A. GRCh37 (hg19) VCF-style: chr17-29685499-C-A.
Other names: c.7909C>A, p.His2637Asn (NM_000267.4); short protein forms H2637N, H2658N.
Identifiers: ClinVar variation 1020047 (VCV001020047.5), dbSNP rs1555536868, ClinGen allele CA399203582.